The following is an entry in ClinVar:

NM_004637.6(RAB7A):c.87G>A (p.Val29=)

Gene: RAB7A (RAB7A, member RAS oncogene family; plus strand). Cytogenetic location: 3q21.3.
Variant type: single nucleotide variant.
Coding change: c.87G>A on transcript NM_004637.6 (MANE Select); coding-DNA position 87, G replaced by A.
Protein change: p.Val29=; no amino-acid change (valine 29 retained).
Molecular consequence: synonymous variant.
Genome position (GRCh38, 1-based): chr3:128,797,976, G>A. VCF-style: chr3-128797976-G-A. GRCh37 (hg19) VCF-style: chr3-128516819-G-A.
Other names: p.Val29=.
Identifiers: ClinVar variation 343157 (VCV000343157.46), dbSNP rs145441548, ClinGen allele CA2600781.

ClinVar aggregate classification (germline): Benign/Likely benign. Review status: criteria provided, multiple submitters, no conflicts (2 of 4 stars). 10 submissions from 10 submitters: Benign (5); Likely benign (4). 1 of the submissions does not count toward it. Last evaluated 2026-01-26.

Conditions:
RAB7A-related disorder. Also called: RAB7A-related condition.
Charcot-Marie-Tooth disease type 2B (CMT2B). Also called: HEREDITARY MOTOR AND SENSORY NEUROPATHY IIB; CHARCOT-MARIE-TOOTH DISEASE, AXONAL, TYPE 2B; CHARCOT-MARIE-TOOTH DISEASE, AUTOSOMAL DOMINANT, TYPE 2B; Charcot-Marie-Tooth Neuropathy Type 2B. Identifiers: Orphanet 99936, MedGen C1833219, MONDO:0010949, OMIM 600882.
Inborn genetic diseases. Identifiers: MedGen C0950123, MeSH D030342.
Charcot-Marie-Tooth disease. Also called: Charcot-Marie-Tooth Neuropathy; Charcot-Marie-Tooth Hereditary Neuropathy. Identifiers: Orphanet 166, MedGen C0007959, MONDO:0015626.

Allele frequency attached by ClinVar (database versions not stated): ESP Exome Variant Server 0.00023; gnomAD 0.00039 and 0.00048; gnomAD exomes 0.00039 and 0.00097; TOPMed 0.00051; 1000 Genomes Project 0.00080; ExAC 0.00095; 1000 Genomes Project 30x 0.00109.
gnomAD v4.1: 649 of 1,613,806 alleles (0.04%); highest among the groups gnomAD compares: East Asian, 0.81%; 5 homozygotes.

Submissions (10):

Labcorp Genetics (formerly Invitae), Labcorp
Classification: Benign for Charcot-Marie-Tooth disease type 2B. Last evaluated: 2026-01-26. Review status: criteria provided, single submitter. Criteria: Invitae Variant Classification Sherloc (09022015). Collection method: clinical testing. Allele origin: germline.

ARUP Laboratories, Molecular Genetics and Genomics, ARUP Laboratories
Classification: Benign for Charcot-Marie-Tooth disease type 2B. Last evaluated: 2024-03-25. Review status: criteria provided, single submitter. Criteria: ARUP Molecular Germline Variant Investigation Process 2024. Collection method: clinical testing. Allele origin: germline.

Mayo Clinic Laboratories, Mayo Clinic
Classification: Benign. Last evaluated: 2023-12-12. Review status: criteria provided, single submitter. Criteria: ACMG Guidelines, 2015. Collection method: clinical testing. Allele origin: germline. Observed: 2 variant alleles.
Comment: BA1, BS2

CeGaT Center for Human Genetics Tuebingen
Classification: Likely benign. Last evaluated: 2023-12-01. Review status: criteria provided, single submitter. Criteria: CeGaT Center For Human Genetics Tuebingen Variant Classification Criteria Version 2. Collection method: clinical testing. Allele origin: germline. Affected: yes. Observed: 1 variant allele.
Comment: RAB7A: BP4, BP7, BS1

GeneDx
Classification: Likely benign. Last evaluated: 2021-06-15. Review status: criteria provided, single submitter. Criteria: GeneDx Variant Classification Process June 2021. Collection method: clinical testing. Allele origin: germline. Affected: yes.

Ambry Genetics
Classification: Likely benign for Inborn genetic diseases. Last evaluated: 2019-07-11. Review status: criteria provided, single submitter. Criteria: Ambry Variant Classification Scheme 2023. Collection method: clinical testing. Allele origin: germline.

Athena Diagnostics
Classification: Benign. Last evaluated: 2018-03-26. Review status: criteria provided, single submitter. Criteria: Athena Diagnostics Criteria. Collection method: clinical testing. Allele origin: germline.

Illumina Laboratory Services, Illumina
Classification: Benign for Charcot-Marie-Tooth disease type 2B. Last evaluated: 2018-01-12. Review status: criteria provided, single submitter. Criteria: ICSL Variant Classification Criteria 13 December 2019. Collection method: clinical testing. Allele origin: germline.
Comment: This variant was observed in the ICSL laboratory as part of a predisposition screen in an ostensibly healthy population. It had not been previously curated by ICSL or reported in the Human Gene Mutation Database (HGMD: prior to June 1st, 2018), and was therefore a candidate for classification through an automated scoring system. Utilizing variant allele frequency, disease prevalence and penetrance estimates, and inheritance mode, an automated score was calculated to assess if this variant is too frequent to cause the disease. Based on the score and internal cut-off values, a variant classified as benign is not then subjected to further curation. The score for this variant resulted in a classification of benign for this disease.

Molecular Genetics Laboratory, London Health Sciences Centre
Classification: Likely benign for Charcot-Marie-Tooth disease. Review status: criteria provided, single submitter. Criteria: ACMG Guidelines, 2015. Collection method: clinical testing. Allele origin: germline. Affected: yes.

PreventionGenetics, part of Exact Sciences
Classification: Likely benign for RAB7A-related condition. Last evaluated: 2020-03-23. Review status: no assertion criteria provided. Collection method: clinical testing. Allele origin: germline. Not counted in ClinVar's aggregate classification.
Comment: This variant is classified as likely benign based on ACMG/AMP sequence variant interpretation guidelines (Richards et al. 2015 PMID: 25741868, with internal and published modifications).